The following is an entry in ClinVar:

NM_001379270.1(CNGA1):c.809G>C (p.Arg270Thr)

Genes: CNGA1 (cyclic nucleotide gated channel subunit alpha 1; minus strand), LOC101927157 (uncharacterized LOC101927157; plus strand). Cytogenetic location: 4p12.
Variant type: single nucleotide variant.
Coding change: c.809G>C on transcript NM_001379270.1 (MANE Select); coding-DNA position 809, G replaced by C.
Protein change: p.Arg270Thr; replaces arginine 270 with threonine.
Molecular consequence: missense variant.
Genome position (GRCh38, 1-based): chr4:47,937,673, C>G on the plus strand (G>C on the coding strand, the complement: CNGA1 is on the minus strand). VCF-style: chr4-47937673-C-G. GRCh37 (hg19) VCF-style: chr4-47939690-C-G.
Other names: c.809G>C, p.Arg270Thr (NM_000087.5, NM_001142564.2); short protein forms R270T.
Identifiers: ClinVar variation 854024 (VCV000854024.9), dbSNP rs1170003583, ClinGen allele CA356828144.

ClinVar aggregate classification (germline): Uncertain significance (1 of 4 stars; one submission).

Allele frequency attached by ClinVar (database versions not stated): gnomAD exomes below 0.00001.
gnomAD v4.1: 1 of 1,614,098 alleles (0.000062%); highest among the groups gnomAD compares: Admixed American, 0.0017%; no homozygotes.

Submission:

Labcorp Genetics (formerly Invitae), Labcorp
Classification: Uncertain significance. Last evaluated: 2019-12-17. Review status: criteria provided, single submitter. Criteria: Invitae Variant Classification Sherloc (09022015). Collection method: clinical testing. Allele origin: germline.
Comment: In summary, the available evidence is currently insufficient to determine the role of this variant in disease. Therefore, it has been classified as a Variant of Uncertain Significance. Algorithms developed to predict the effect of missense changes on protein structure and function (SIFT, PolyPhen-2, Align-GVGD) all suggest that this variant is likely to be disruptive, but these predictions have not been confirmed by published functional studies and their clinical significance is uncertain. This variant has not been reported in the literature in individuals with CNGA1-related conditions. This variant is not present in population databases (ExAC no frequency). This sequence change replaces arginine with threonine at codon 274 of the CNGA1 protein (p.Arg274Thr). The arginine residue is highly conserved and there is a moderate physicochemical difference between arginine and threonine.